The following is an entry in ClinVar:

NM_001042472.3(ABHD12):c.1047A>G (p.Ala349=)

Gene: ABHD12 (abhydrolase domain containing 12, lysophospholipase; minus strand). Cytogenetic location: 20p11.21.
Variant type: single nucleotide variant.
Coding change: c.1047A>G on transcript NM_001042472.3 (MANE Select); coding-DNA position 1047, A replaced by G.
Protein change: p.Ala349=; no amino-acid change (alanine 349 retained).
Molecular consequence: synonymous variant.
Genome position (GRCh38, 1-based): chr20:25,302,329, T>C on the plus strand (A>G on the coding strand, the complement: ABHD12 is on the minus strand). VCF-style: chr20-25302329-T-C. GRCh37 (hg19) VCF-style: chr20-25282965-T-C.
Other names: c.1047A>G, p.Ala349= (NM_015600.5); c.1047A>G (NM_001042472.2).
Identifiers: ClinVar variation 1085991 (VCV001085991.10), dbSNP rs759121223, ClinGen allele CA9795834.

ClinVar aggregate classification (germline): Likely benign. Review status: criteria provided, multiple submitters, no conflicts (2 of 4 stars). 2 submissions from 2 submitters: Likely benign (2). Last evaluated 2026-02-24.

Conditions:
ABHD12-related disorder. Also called: ABHD12-related condition.

Allele frequency attached by ClinVar (database versions not stated): gnomAD exomes below 0.00001; ExAC 0.00001; gnomAD 0.00002 and 0.00003; TOPMed 0.00006.
gnomAD v4.1: 4 of 1,613,346 alleles (0.00025%); highest among the groups gnomAD compares: African/African-American, 0.004%; no homozygotes.

Submissions (2):

PreventionGenetics, part of Exact Sciences
Classification: Likely benign for ABHD12-related condition. Last evaluated: 2026-02-24. Review status: criteria provided, single submitter. Criteria: ACMG Guidelines, 2015. Collection method: clinical testing. Allele origin: germline.
Comment: This variant is classified as likely benign based on ACMG/AMP sequence variant interpretation guidelines (Richards et al. 2015 PMID: 25741868, with internal and published modifications).

Labcorp Genetics (formerly Invitae), Labcorp
Classification: Likely benign. Last evaluated: 2025-12-14. Review status: criteria provided, single submitter. Criteria: Invitae Variant Classification Sherloc (09022015). Collection method: clinical testing. Allele origin: germline.